The following is an entry in ClinVar:

ClinVar aggregate classification (germline): Conflicting classifications of pathogenicity. Review status: criteria provided, conflicting classifications (1 of 4 stars). 7 submissions from 2 submitters: Uncertain significance (6); Likely benign (1). Last evaluated 2025-07-24.

Conditions:
Myopathy, myofibrillar, 9, with early respiratory failure (MFM9). Also called: EDSTROM MYOPATHY; MYOPATHY, PROXIMAL, WITH EARLY RESPIRATORY MUSCLE INVOLVEMENT; Hereditary myopathy with early respiratory failure; Myopathy, distal, with early respiratory failure, autosomal dominant. Identifiers: Orphanet 178464, Orphanet 34521, MedGen C1863599, MONDO:0011362, OMIM 603689.
Early-onset myopathy with fatal cardiomyopathy (CMYO5). Also called: CONGENITAL MYOPATHY 5 WITH CARDIOMYOPATHY; Salih Myopathy. Identifiers: Orphanet 289377, MedGen C2673677, MONDO:0012714, OMIM 611705. Disease mechanism: loss of function.
Hypertrophic cardiomyopathy 9. Also called: Familial hypertrophic cardiomyopathy 9. Identifiers: MedGen C1861065, MONDO:0013412, OMIM 613765.
Dilated cardiomyopathy 1G (CMD1G). Identifiers: Orphanet 154, MedGen C1858763, MONDO:0011400, OMIM 604145.
Tibial muscular dystrophy (TMD). Also called: UDD MYOPATHY; Tibial muscular dystrophy, tardive; Udd Distal Myopathy – Tibial Muscular Dystrophy. Identifiers: Orphanet 609, MedGen C1838244, MONDO:0010870, OMIM 600334.
Autosomal recessive limb-girdle muscular dystrophy type 2J (LGMDR10). Also called: Limb-girdle muscular dystrophy, type 2J; MUSCULAR DYSTROPHY, LIMB-GIRDLE, AUTOSOMAL RECESSIVE 10. Identifiers: Orphanet 140922, MedGen C1837342, MONDO:0012127, OMIM 608807.

Allele frequency attached by ClinVar (database versions not stated): gnomAD exomes below 0.00001; TOPMed 0.00002; gnomAD 0.00003.
gnomAD v4.1: 7 of 1,613,354 alleles (0.00043%); highest among the groups gnomAD compares: African/African-American, 0.008%; no homozygotes.

Submissions (7):

Molecular Diagnostic Laboratory for Inherited Cardiovascular Disease, Montreal Heart Institute
Classification: Likely benign. Last evaluated: 2025-07-24. Review status: criteria provided, single submitter. Criteria: ACMG Guidelines, 2015. Collection method: clinical testing. Allele origin: germline. Affected: no.
Comment: BP1

Baylor Genetics
Classification: Uncertain significance for Myopathy, myofibrillar, 9, with early respiratory failure. Last evaluated: 2021-02-05. Review status: criteria provided, single submitter. Criteria: ACMG Guidelines, 2015. Collection method: clinical testing. Allele origin: unknown.

Baylor Genetics
Classification: Uncertain significance for Dilated cardiomyopathy 1G. Last evaluated: 2021-02-05. Review status: criteria provided, single submitter. Criteria: ACMG Guidelines, 2015. Collection method: clinical testing. Allele origin: unknown.

Baylor Genetics
Classification: Uncertain significance for Autosomal recessive limb-girdle muscular dystrophy type 2J. Last evaluated: 2021-02-05. Review status: criteria provided, single submitter. Criteria: ACMG Guidelines, 2015. Collection method: clinical testing. Allele origin: unknown.

Baylor Genetics
Classification: Uncertain significance for Tibial muscular dystrophy. Last evaluated: 2021-02-05. Review status: criteria provided, single submitter. Criteria: ACMG Guidelines, 2015. Collection method: clinical testing. Allele origin: unknown.

Baylor Genetics
Classification: Uncertain significance for Hypertrophic cardiomyopathy 9. Last evaluated: 2021-02-05. Review status: criteria provided, single submitter. Criteria: ACMG Guidelines, 2015. Collection method: clinical testing. Allele origin: unknown.

Baylor Genetics
Classification: Uncertain significance for Early-onset myopathy with fatal cardiomyopathy. Last evaluated: 2021-02-05. Review status: criteria provided, single submitter. Criteria: ACMG Guidelines, 2015. Collection method: clinical testing. Allele origin: unknown.

NM_001267550.2(TTN):c.71544T>G (p.His23848Gln)

Genes: TTN (titin; minus strand), TTN-AS1 (TTN antisense RNA 1; plus strand). Cytogenetic location: 2q31.2.
Variant type: single nucleotide variant.
Coding change: c.71544T>G on transcript NM_001267550.2 (MANE Select); coding-DNA position 71544, T replaced by G.
Protein change: p.His23848Gln; replaces histidine 23848 with glutamine.
Molecular consequence: missense variant.
Genome position (GRCh38, 1-based): chr2:178,574,588, A>C on the plus strand (T>G on the coding strand, the complement: TTN is on the minus strand). VCF-style: chr2-178574588-A-C. GRCh37 (hg19) VCF-style: chr2-179439315-A-C.
Other names: c.66621T>G, p.His22207Gln (NM_001256850.1); c.44349T>G, p.His14783Gln (NM_003319.4); c.63840T>G, p.His21280Gln (NM_133378.4); c.44724T>G, p.His14908Gln (NM_133432.3); c.44925T>G, p.His14975Gln (NM_133437.4); short protein forms H14783Q, H14908Q, H14975Q, H21280Q, H22207Q, H23848Q.
Identifiers: ClinVar variation 2441845 (VCV002441845.2), dbSNP rs1026649081, ClinGen allele CA61000863.